The following is an entry in ClinVar:

NM_001377295.2(GNAT2):c.821T>C (p.Phe274Ser)

Gene: GNAT2 (G protein subunit alpha transducin 2; minus strand). Cytogenetic location: 1p13.3.
Variant type: single nucleotide variant.
Coding change: c.821T>C on transcript NM_001377295.2 (MANE Select); coding-DNA position 821, T replaced by C.
Protein change: p.Phe274Ser; replaces phenylalanine 274 with serine.
Molecular consequence: missense variant.
Genome position (GRCh38, 1-based): chr1:109,604,004, A>G on the plus strand (T>C on the coding strand, the complement: GNAT2 is on the minus strand). VCF-style: chr1-109604004-A-G. GRCh37 (hg19) VCF-style: chr1-110146626-A-G.
Other names: c.821T>C, p.Phe274Ser (NM_001379232.1, NM_005272.5); short protein forms F274S.
Identifiers: ClinVar variation 1511744 (VCV001511744.8), dbSNP rs1649516067, ClinGen allele CA341533854.

ClinVar aggregate classification (germline): Conflicting classifications of pathogenicity. Review status: criteria provided, conflicting classifications (1 of 4 stars). 2 submissions from 2 submitters: Likely pathogenic (1); Uncertain significance (1). Last evaluated 2021-10-14.

Conditions:
Achromatopsia 4 (ACHM4). Identifiers: Orphanet 49382, MedGen C1841721, MONDO:0013465, OMIM 613856.

Allele frequency attached by ClinVar (database versions not stated): TOPMed 0.00001.

Submissions (2):

Labcorp Genetics (formerly Invitae), Labcorp
Classification: Uncertain significance. Last evaluated: 2021-10-14. Review status: criteria provided, single submitter. Criteria: Invitae Variant Classification Sherloc (09022015). Collection method: clinical testing. Allele origin: germline.
Comment: This sequence change replaces phenylalanine with serine at codon 274 of the GNAT2 protein (p.Phe274Ser). The phenylalanine residue is highly conserved and there is a large physicochemical difference between phenylalanine and serine. This variant is not present in population databases (ExAC no frequency). This variant has not been reported in the literature in individuals affected with GNAT2-related conditions. Advanced modeling of protein sequence and biophysical properties (such as structural, functional, and spatial information, amino acid conservation, physicochemical variation, residue mobility, and thermodynamic stability) performed at Invitae indicates that this missense variant is expected to disrupt GNAT2 protein function. In summary, the available evidence is currently insufficient to determine the role of this variant in disease. Therefore, it has been classified as a Variant of Uncertain Significance.

Juno Genomics, Hangzhou Juno Genomics, Inc
Classification: Likely pathogenic for Achromatopsia 4. Review status: criteria provided, single submitter. Criteria: ACMG Guidelines, 2015. Collection method: clinical testing. Allele origin: germline. Affected: yes.
Comment: Absent from controls (or at extremely low frequency if recessive) in Genome Aggregation Database, Exome Sequencing Project, 1000 Genomes Project, or Exome Aggregation Consortium.;Multiple lines of computational evidence support a deleterious effect on the gene or gene product (conservation, evolutionary, splicing impact, etc).;For recessive disorders, detected in trans with a pathogenic variant.